The following is an entry in ClinVar:

NM_014244.5(ADAMTS2):c.2053G>A (p.Ala685Thr)

Gene: ADAMTS2 (ADAM metallopeptidase with thrombospondin type 1 motif 2; minus strand). Cytogenetic location: 5q35.3.
Variant type: single nucleotide variant.
Coding change: c.2053G>A on transcript NM_014244.5 (MANE Select); coding-DNA position 2053, G replaced by A.
Protein change: p.Ala685Thr; replaces alanine 685 with threonine.
Molecular consequence: missense variant.
Genome position (GRCh38, 1-based): chr5:179,135,941, C>T on the plus strand (G>A on the coding strand, the complement: ADAMTS2 is on the minus strand). VCF-style: chr5-179135941-C-T. GRCh37 (hg19) VCF-style: chr5-178562942-C-T.
Other names: p.Ala685Thr; short protein forms A685T.
Identifiers: ClinVar variation 4541097 (VCV004541097.1).

ClinVar aggregate classification (germline): Uncertain significance (1 of 4 stars; one submission).

gnomAD v4.1: 42 of 1,613,134 alleles (0.0026%); highest among the groups gnomAD compares: Non-Finnish European, 0.0033%; no homozygotes.

Submission:

Mayo Clinic Laboratories, Mayo Clinic
Classification: Uncertain significance. Last evaluated: 2025-11-01. Review status: criteria provided, single submitter. Criteria: ACMG Guidelines, 2015. Collection method: clinical testing. Allele origin: germline. Observed: 1 variant allele.
Comment: BP1, BP4_moderate, PM2_supporting